The following is an entry in ClinVar:

ClinVar aggregate classification (germline): Benign (0 of 4 stars; one submission).

Conditions:
CPB1-related disorder. Also called: CPB1-related condition.

Allele frequency attached by ClinVar (database versions not stated): ExAC 0.22895; gnomAD exomes 0.23142; TOPMed 0.23897; ESP Exome Variant Server 0.24043; gnomAD 0.24363; 1000 Genomes Project 30x 0.26640; 1000 Genomes Project 0.27017.
gnomAD v4.1: 374,353 of 1,612,786 alleles (23%); highest among the groups gnomAD compares: African/African-American, 31%; 44,685 homozygotes.

Submission:

PreventionGenetics, part of Exact Sciences
Classification: Benign for CPB1-related condition. Last evaluated: 2019-10-21. Review status: no assertion criteria provided. Collection method: clinical testing. Allele origin: germline.
Comment: This variant is classified as benign based on ACMG/AMP sequence variant interpretation guidelines (Richards et al. 2015 PMID: 25741868, with internal and published modifications).

NM_001871.3(CPB1):c.622G>A (p.Asp208Asn)

Gene: CPB1 (carboxypeptidase B1; plus strand). Cytogenetic location: 3q24.
Variant type: single nucleotide variant.
Coding change: c.622G>A on transcript NM_001871.3 (MANE Select); coding-DNA position 622, G replaced by A.
Protein change: p.Asp208Asn; replaces aspartic acid 208 with asparagine.
Molecular consequence: missense variant.
Genome position (GRCh38, 1-based): chr3:148,844,523, G>A. VCF-style: chr3-148844523-G-A. GRCh37 (hg19) VCF-style: chr3-148562310-G-A.
Other names: short protein forms D208N.
Identifiers: ClinVar variation 3059113 (VCV003059113.2), dbSNP rs1059502, ClinGen allele CA2657695.
Genomic context (GRCh38, chr3:148,844,523, plus strand): 5'-ATAATTCACATACAGGCTGTTCGTACCTATGGACGTGAGATCCAAGTGACAGAGCTTCTC[G>A]ACAAGTTAGACTTTTATGTCCTGCCTGTGCTCAATATTGATGGCTACATCTACACCTGGA-3'
Protein context (NP_001862.2, residues 198-218): GREIQVTELL[Asp208Asn]KLDFYVLPVL